The following is an entry in ClinVar:

NM_004415.4(DSP):c.4897C>T (p.Leu1633Phe)

Gene: DSP (desmoplakin; plus strand). Cytogenetic location: 6p24.3.
Variant type: single nucleotide variant.
Coding change: c.4897C>T on transcript NM_004415.4 (MANE Select); coding-DNA position 4897, C replaced by T.
Protein change: p.Leu1633Phe; replaces leucine 1633 with phenylalanine.
Molecular consequence: missense variant. On other transcripts: intron variant (2).
Genome position (GRCh38, 1-based): chr6:7,581,087, C>T. VCF-style: chr6-7581087-C-T. GRCh37 (hg19) VCF-style: chr6-7581320-C-T.
Other names: c.4050+847C>T (NM_001319034.2); c.3582+1315C>T (NM_001008844.3); short protein forms L1633F.
Identifiers: ClinVar variation 3756366 (VCV003756366.2).

ClinVar aggregate classification (germline): Uncertain significance (1 of 4 stars; one submission).

Conditions:
Arrhythmogenic right ventricular dysplasia 8 (ARVD8). Also called: Arrhythmogenic Right Ventricular Dysplasia/Cardiomyopathy 8; ARRHYTHMOGENIC RIGHT VENTRICULAR DYSPLASIA, FAMILIAL, 8; ARRHYTHMOGENIC RIGHT VENTRICULAR CARDIOMYOPATHY 8. Identifiers: MedGen C1843896, MONDO:0011831, OMIM 607450.
Arrhythmogenic cardiomyopathy with wooly hair and keratoderma. Also called: PALMOPLANTAR KERATODERMA WITH LEFT VENTRICULAR CARDIOMYOPATHY AND WOOLLY HAIR; Carvajal syndrome; Dilated cardiomyopathy with woolly hair and keratoderma; Arrhythmogenic cardiomyopathy with woolly hair and keratoderma. Identifiers: Orphanet 65282, MedGen C1854063, MONDO:0011581, OMIM 605676.

Submission:

Labcorp Genetics (formerly Invitae), Labcorp
Classification: Uncertain significance for Arrhythmogenic cardiomyopathy with wooly hair and keratoderma; Arrhythmogenic right ventricular dysplasia 8. Last evaluated: 2024-06-17. Review status: criteria provided, single submitter. Criteria: Invitae Variant Classification Sherloc (09022015). Collection method: clinical testing. Allele origin: germline.
Comment: This sequence change replaces leucine, which is neutral and non-polar, with phenylalanine, which is neutral and non-polar, at codon 1633 of the DSP protein (p.Leu1633Phe). This variant is not present in population databases (gnomAD no frequency). This variant has not been reported in the literature in individuals affected with DSP-related conditions. An algorithm developed to predict the effect of missense changes on protein structure and function (PolyPhen-2) suggests that this variant is likely to be disruptive. In summary, the available evidence is currently insufficient to determine the role of this variant in disease. Therefore, it has been classified as a Variant of Uncertain Significance.